The following is an entry in ClinVar:

NM_001378964.1(CDON):c.2836T>C (p.Leu946=)

Gene: CDON (cell adhesion associated, oncogene regulated; minus strand). Cytogenetic location: 11q24.2.
Variant type: single nucleotide variant.
Coding change: c.2836T>C on transcript NM_001378964.1 (MANE Select); coding-DNA position 2836, T replaced by C.
Protein change: p.Leu946=; no amino-acid change (leucine 946 retained).
Molecular consequence: synonymous variant.
Genome position (GRCh38, 1-based): chr11:125,984,031, A>G on the plus strand (T>C on the coding strand, the complement: CDON is on the minus strand). VCF-style: chr11-125984031-A-G. GRCh37 (hg19) VCF-style: chr11-125853926-A-G.
Other names: c.2836T>C, p.Leu946= (NM_001243597.3, NM_016952.6).
Identifiers: ClinVar variation 879736 (VCV000879736.32), dbSNP rs144054280, ClinGen allele CA6351594.

ClinVar aggregate classification (germline): Conflicting classifications of pathogenicity. Review status: criteria provided, conflicting classifications (1 of 4 stars). 3 submissions from 3 submitters: Uncertain significance (1); Likely benign (2). Last evaluated 2024-02-23.

Conditions:
Holoprosencephaly 11 (HPE11). Identifiers: Orphanet 2162, MedGen C3280215, MONDO:0013642, OMIM 614226.

Allele frequency attached by ClinVar (database versions not stated): gnomAD 0.00006 and 0.00007; gnomAD exomes 0.00006 and 0.00014; TOPMed 0.00008; ExAC 0.00015; ESP Exome Variant Server 0.00023.
gnomAD v4.1: 103 of 1,613,944 alleles (0.0064%); highest among the groups gnomAD compares: Middle Eastern, 0.033%; no homozygotes.

Submissions (3):

Labcorp Genetics (formerly Invitae), Labcorp
Classification: Likely benign for Holoprosencephaly 11. Last evaluated: 2024-02-23. Review status: criteria provided, single submitter. Criteria: Invitae Variant Classification Sherloc (09022015). Collection method: clinical testing. Allele origin: germline.

CeGaT Center for Human Genetics Tuebingen
Classification: Likely benign. Last evaluated: 2022-07-01. Review status: criteria provided, single submitter. Criteria: CeGaT Center For Human Genetics Tuebingen Variant Classification Criteria Version 2. Collection method: clinical testing. Allele origin: germline. Affected: yes. Observed: 1 variant allele.
Comment: CDON: BP4, BP7

Illumina Laboratory Services, Illumina
Classification: Uncertain significance for Holoprosencephaly 11. Last evaluated: 2018-01-13. Review status: criteria provided, single submitter. Criteria: ICSL Variant Classification Criteria 13 December 2019. Collection method: clinical testing. Allele origin: germline.